The following is an entry in ClinVar:

ClinVar aggregate classification (germline): Uncertain significance. Review status: criteria provided, multiple submitters, no conflicts (2 of 4 stars). 3 submissions from 3 submitters: Uncertain significance (3). Last evaluated 2026-05-10.

Conditions:
Ehlers-Danlos syndrome, classic type, 1 (EDSCL1). Also called: EHLERS-DANLOS SYNDROME, GRAVIS TYPE; EHLERS-DANLOS SYNDROME, SEVERE CLASSIC TYPE; Ehlers-Danlos syndrome, type 1; Ehlers-Danlos Syndrome, Classic Type, COL5A1-Related; EDS I. Identifiers: MedGen C0268335, MONDO:0019567, OMIM 130000.
Osteogenesis imperfecta type I (OI1). Also called: OI, TYPE I; OSTEOGENESIS IMPERFECTA TARDA; OSTEOGENESIS IMPERFECTA WITH BLUE SCLERAE; Osteogenesis imperfecta type 1; Lobstein's Disease; Lobstein disease. Identifiers: Orphanet 216796, Orphanet 666, MedGen C0023931, MONDO:0008146, OMIM 166200. Disease mechanism: loss of function.
Cardiovascular phenotype. Identifiers: MedGen CN230736.

gnomAD v4.1: 5 of 1,614,190 alleles (0.00031%); highest among the groups gnomAD compares: South Asian, 0.0055%; no homozygotes.

Submissions (3):

Ambry Genetics
Classification: Uncertain significance for Cardiovascular phenotype. Last evaluated: 2026-05-10. Review status: criteria provided, single submitter. Criteria: Ambry Variant Classification Scheme 2023. Collection method: clinical testing. Allele origin: germline.

Mayo Clinic Laboratories, Mayo Clinic
Classification: Uncertain significance. Last evaluated: 2025-08-23. Review status: criteria provided, single submitter. Criteria: ACMG Guidelines, 2015. Collection method: clinical testing. Allele origin: germline. Observed: 1 variant allele.

Labcorp Genetics (formerly Invitae), Labcorp
Classification: Uncertain significance for Osteogenesis imperfecta type I; Ehlers-Danlos syndrome, classic type, 1. Last evaluated: 2025-04-03. Review status: criteria provided, single submitter. Criteria: Invitae Variant Classification Sherloc (09022015). Collection method: clinical testing. Allele origin: germline.
Comment: This sequence change replaces alanine, which is neutral and non-polar, with serine, which is neutral and polar, at codon 530 of the COL1A2 protein (p.Ala530Ser). This variant is present in population databases (rs754489138, gnomAD 0.003%). This variant has not been reported in the literature in individuals affected with COL1A2-related conditions. Invitae Evidence Modeling of protein sequence and biophysical properties (such as structural, functional, and spatial information, amino acid conservation, physicochemical variation, residue mobility, and thermodynamic stability) indicates that this missense variant is not expected to disrupt COL1A2 protein function with a negative predictive value of 95%. In summary, the available evidence is currently insufficient to determine the role of this variant in disease. Therefore, it has been classified as a Variant of Uncertain Significance.

NM_000089.4(COL1A2):c.1588G>T (p.Ala530Ser)

Gene: COL1A2 (collagen type I alpha 2 chain; plus strand). Cytogenetic location: 7q21.3.
Variant type: single nucleotide variant.
Coding change: c.1588G>T on transcript NM_000089.4 (MANE Select); coding-DNA position 1588, G replaced by T.
Protein change: p.Ala530Ser; replaces alanine 530 with serine.
Molecular consequence: missense variant.
Genome position (GRCh38, 1-based): chr7:94,413,720, G>T. VCF-style: chr7-94413720-G-T. GRCh37 (hg19) VCF-style: chr7-94043032-G-T.
Other names: p.Ala530Ser; short protein forms A530S.
Identifiers: ClinVar variation 4541311 (VCV004541311.3).
Genomic context (GRCh38, chr7:94,413,720, plus strand): 5'-ACCATCAGCCTTTCTGTTAAATATTTTTAGGGTGCTCCAGGTCCTGATGGAAACAATGGT[G>T]CTCAGGGACCTCCTGGACCACAGGTGAGTATTTCTCCCACTCTTGTGCTCTTCTGCACTA-3'
Protein context (NP_000080.2, residues 520-540): GAPGPDGNNG[Ala530Ser]QGPPGPQGVQ